The following is an entry in ClinVar:

ClinVar aggregate classification (germline): Uncertain significance (1 of 4 stars; one submission).

Conditions:
Alstrom syndrome (ALMS). Identifiers: Orphanet 64, MedGen C0268425, MONDO:0008763, OMIM 203800.

Allele frequency attached by ClinVar (database versions not stated): TOPMed below 0.00001.

Submission:

Labcorp Genetics (formerly Invitae), Labcorp
Classification: Uncertain significance for Alstrom syndrome. Last evaluated: 2024-09-27. Review status: criteria provided, single submitter. Criteria: Invitae Variant Classification Sherloc (09022015). Collection method: clinical testing. Allele origin: germline.
Comment: This sequence change replaces leucine, which is neutral and non-polar, with methionine, which is neutral and non-polar, at codon 1112 of the ALMS1 protein (p.Leu1112Met). This variant is not present in population databases (gnomAD no frequency). This variant has not been reported in the literature in individuals affected with ALMS1-related conditions. ClinVar contains an entry for this variant (Variation ID: 2044606). Experimental studies and prediction algorithms are not available or were not evaluated, and the functional significance of this variant is currently unknown. In summary, the available evidence is currently insufficient to determine the role of this variant in disease. Therefore, it has been classified as a Variant of Uncertain Significance.

NM_001378454.1(ALMS1):c.3331T>A (p.Leu1111Met)

Gene: ALMS1 (ALMS1 centrosome and basal body associated protein; plus strand). Cytogenetic location: 2p13.1.
Variant type: single nucleotide variant.
Coding change: c.3331T>A on transcript NM_001378454.1 (MANE Select); coding-DNA position 3331, T replaced by A.
Protein change: p.Leu1111Met; replaces leucine 1111 with methionine.
Molecular consequence: missense variant.
Genome position (GRCh38, 1-based): chr2:73,449,858, T>A. VCF-style: chr2-73449858-T-A. GRCh37 (hg19) VCF-style: chr2-73676985-T-A.
Other names: c.3334T>A, p.Leu1112Met (NM_015120.4); short protein forms L1111M, L1112M.
Identifiers: ClinVar variation 2044606 (VCV002044606.4), dbSNP rs1671891066, ClinGen allele CA347275169.